The following is an entry in ClinVar:

NM_001267550.2(TTN):c.3661G>T (p.Glu1221Ter)

Gene: TTN (titin; minus strand). Cytogenetic location: 2q31.2.
Variant type: single nucleotide variant.
Coding change: c.3661G>T on transcript NM_001267550.2 (MANE Select); coding-DNA position 3661, G replaced by T.
Protein change: p.Glu1221Ter; replaces glutamic acid 1221 with a stop codon.
Molecular consequence: nonsense.
Genome position (GRCh38, 1-based): chr2:178,780,068, C>A on the plus strand (G>T on the coding strand, the complement: TTN is on the minus strand). VCF-style: chr2-178780068-C-A. GRCh37 (hg19) VCF-style: chr2-179644795-C-A.
Other names: c.3661G>T, p.Glu1221Ter (NM_001256850.1, NM_133378.4, NM_133379.5); c.3523G>T, p.Glu1175Ter (NM_003319.4, NM_133432.3, NM_133437.4); short protein forms E1175*, E1221*.
Identifiers: ClinVar variation 4785406 (VCV004785406.1).

ClinVar aggregate classification (germline): Likely pathogenic (1 of 4 stars; one submission).

Conditions:
Autosomal recessive limb-girdle muscular dystrophy type 2J (LGMDR10). Also called: Limb-girdle muscular dystrophy, type 2J; MUSCULAR DYSTROPHY, LIMB-GIRDLE, AUTOSOMAL RECESSIVE 10. Identifiers: Orphanet 140922, MedGen C1837342, MONDO:0012127, OMIM 608807.
Dilated cardiomyopathy 1G (CMD1G). Identifiers: Orphanet 154, MedGen C1858763, MONDO:0011400, OMIM 604145.

Submission:

Labcorp Genetics (formerly Invitae), Labcorp
Classification: Likely pathogenic for Dilated cardiomyopathy 1G; Autosomal recessive limb-girdle muscular dystrophy type 2J. Last evaluated: 2025-07-02. Review status: criteria provided, single submitter. Criteria: Invitae Variant Classification Sherloc (09022015). Collection method: clinical testing. Allele origin: germline.
Comment: This sequence change creates a premature translational stop signal (p.Glu1221*) in the TTN gene. While this is not anticipated to result in nonsense mediated decay, it is expected to create a truncated TTN protein. This variant is not present in population databases (gnomAD no frequency). This variant has not been reported in the literature in individuals affected with TTN-related conditions. This variant is located in the Z band of TTN (PMID: 25589632). Truncating variants in this region have been reported in individuals affected with autosomal recessive centronuclear myopathy (PMID: 33449170, internal data). Truncating variants in this region have also been identified in individuals affected with autosomal dominant dilated cardiomyopathy and/or cardio-related conditions (PMID: 27869827, 32964742, internal data). In summary, the currently available evidence indicates that the variant is pathogenic, but additional data are needed to prove that conclusively. Therefore, this variant has been classified as Likely Pathogenic.

Literature cited by the submitters: PubMed 25589632; PubMed 33449170; PubMed 27869827; PubMed 32964742.